The following is an entry in ClinVar:

ClinVar aggregate classification (germline): Uncertain significance (1 of 4 stars; one submission).

Conditions:
Familial thoracic aortic aneurysm and aortic dissection (TAAD). Also called: Thoracic aortic aneurysms and dissections. Identifiers: Orphanet 91387, MedGen C4707243, MONDO:0019625.
Hereditary cancer-predisposing syndrome. Also called: Neoplastic Syndromes, Hereditary; Tumor predisposition; Hereditary Cancer Syndrome; Hereditary neoplastic syndrome. Identifiers: Orphanet 140162, MedGen C0027672, MeSH D009386, MONDO:0015356.

Submission:

Ambry Genetics
Classification: Uncertain significance for Hereditary cancer-predisposing syndrome; Familial thoracic aortic aneurysm and aortic dissection. Last evaluated: 2026-04-28. Review status: criteria provided, single submitter. Criteria: Ambry Variant Classification Scheme 2023. Collection method: clinical testing. Allele origin: germline.
Comment: The p.L367H variant (also known as c.1100T>A), located in coding exon 8 of the SMAD4 gene, results from a T to A substitution at nucleotide position 1100. The leucine at codon 367 is replaced by histidine, an amino acid with similar properties. This amino acid position is conserved. In addition, this alteration is predicted to be deleterious by in silico analysis. Based on the available evidence, the clinical significance of this variant remains unclear.

NM_005359.6(SMAD4):c.1100T>A (p.Leu367His)

Gene: SMAD4 (SMAD family member 4; plus strand). Cytogenetic location: 18q21.2.
Variant type: single nucleotide variant.
Coding change: c.1100T>A on transcript NM_005359.6 (MANE Select); coding-DNA position 1100, T replaced by A.
Protein change: p.Leu367His; replaces leucine 367 with histidine.
Molecular consequence: missense variant. On other transcripts: non-coding transcript variant (2).
Genome position (GRCh38, 1-based): chr18:51,065,567, T>A. VCF-style: chr18-51065567-T-A. GRCh37 (hg19) VCF-style: chr18-48591937-T-A.
Other names: c.1100T>A, p.Leu367His (NM_001407041.1, NM_001407042.1, NM_001407043.1); short protein forms L367H.
Identifiers: ClinVar variation 4864702 (VCV004864702.1).